The following is an entry in ClinVar:

ClinVar aggregate classification (germline): Uncertain significance (1 of 4 stars; one submission).

Allele frequency attached by ClinVar (database versions not stated): TOPMed 0.00003.
gnomAD v4.1: 14 of 1,590,438 alleles (0.00088%); highest among the groups gnomAD compares: Admixed American, 0.0017%; no homozygotes.

Submission:

Labcorp Genetics (formerly Invitae), Labcorp
Classification: Uncertain significance. Last evaluated: 2025-06-07. Review status: criteria provided, single submitter. Criteria: Invitae Variant Classification Sherloc (09022015). Collection method: clinical testing. Allele origin: germline.
Comment: This sequence change replaces arginine, which is basic and polar, with leucine, which is neutral and non-polar, at codon 354 of the PLEKHM2 protein (p.Arg354Leu). The frequency data for this variant in the population databases is considered unreliable, as metrics indicate poor data quality at this position in the gnomAD database. This variant has not been reported in the literature in individuals affected with PLEKHM2-related conditions. ClinVar contains an entry for this variant (Variation ID: 643685). An algorithm developed to predict the effect of missense changes on protein structure and function outputs the following: PolyPhen-2: "Benign". The leucine amino acid residue is found in multiple mammalian species, which suggests that this missense change does not adversely affect protein function. In summary, the available evidence is currently insufficient to determine the role of this variant in disease. Therefore, it has been classified as a Variant of Uncertain Significance.

NM_015164.4(PLEKHM2):c.1061G>T (p.Arg354Leu)

Gene: PLEKHM2 (pleckstrin homology and RUN domain containing M2; plus strand). Cytogenetic location: 1p36.21.
Variant type: single nucleotide variant.
Coding change: c.1061G>T on transcript NM_015164.4 (MANE Select); coding-DNA position 1061, G replaced by T.
Protein change: p.Arg354Leu; replaces arginine 354 with leucine.
Molecular consequence: missense variant.
Genome position (GRCh38, 1-based): chr1:15,727,133, G>T. VCF-style: chr1-15727133-G-T. GRCh37 (hg19) VCF-style: chr1-16053628-G-T.
Other names: short protein forms R354L.
Identifiers: ClinVar variation 643685 (VCV000643685.8), dbSNP rs751121316, ClinGen allele CA338585112.
Genomic context (GRCh38, chr1:15,727,133, plus strand): 5'-GTCCACTCCACCCCGCCTGCAGCCAGAAGAAATGTGCCAAGCAGGGGGACGGTGACAGCC[G>T]CAACGGCAGCCCAAGCCTTGGGCGGGACTCGCCAGACACTATGCTTGCCTCCCCCCAGGA-3'
Protein context (NP_055979.2, residues 344-364): KCAKQGDGDS[Arg354Leu]NGSPSLGRDS